The following is an entry in ClinVar:

NM_001723.7(DST):c.4565T>C (p.Ile1522Thr)

Gene: DST (dystonin; minus strand). Cytogenetic location: 6p12.1.
Variant type: single nucleotide variant.
Coding change: c.4565T>C on transcript NM_001723.7 (MANE Plus Clinical); coding-DNA position 4565, T replaced by C.
Protein change: p.Ile1522Thr; replaces isoleucine 1522 with threonine.
Molecular consequence: missense variant. On other transcripts: intron variant (10).
Genome position (GRCh38, 1-based): chr6:56,619,469, A>G on the plus strand (T>C on the coding strand, the complement: DST is on the minus strand). VCF-style: chr6-56619469-A-G. GRCh37 (hg19) VCF-style: chr6-56484267-A-G.
Other names: c.4831-4985T>C (NM_001144769.5); c.4930-4985T>C (NM_001374722.1, NM_001374736.1); c.4957-4985T>C (NM_001374734.1); c.4417-4985T>C (NM_001144770.2); c.4297-4985T>C (NM_001374730.1, NM_001386100.1, NM_183380.4 and 1 more transcripts); c.3319-4985T>C (NM_015548.5); short protein forms I1522T.
Identifiers: ClinVar variation 1058361 (VCV001058361.9), dbSNP rs1157703511, ClinGen allele CA364569391.
Genomic context (GRCh38, chr6:56,619,469, plus strand): 5'-AGCAACTGCTCATGGCTTTTCTCAAATTGTTCTTTTAGATGATCTGATTTTCTCTGGCAG[A>G]TTTGTAGTCTTTCTAATTCTTTCTCATCTCGAAAAGAATGAATTTGTGAATTTAAATGCT-3'
Protein context (NP_001714.1, residues 1512-1532): RDEKELERLQ[Ile1522Thr]CQRKSDHLKE

ClinVar aggregate classification (germline): Uncertain significance (1 of 4 stars; one submission).

Conditions:
Hereditary sensory and autonomic neuropathy type 6. Also called: HSAN VI; Neuropathy, hereditary sensory and autonomic, type VI. Identifiers: Orphanet 314381, MedGen C3539003, MONDO:0013839, OMIM 614653.
Epidermolysis bullosa simplex 3, localized or generalized intermediate, with BP230 deficiency (EBS3). Also called: Epidermolysis bullosa simplex due to BP230 deficiency; Epidermolysis bullosa simplex, autosomal recessive 2. Identifiers: Orphanet 412181, MedGen C3809470, MONDO:0014180, OMIM 615425.

Allele frequency attached by ClinVar (database versions not stated): TOPMed below 0.00001; gnomAD 0.00001; gnomAD exomes 0.00001.
gnomAD v4.1: 5 of 1,611,580 alleles (0.00031%); highest among the groups gnomAD compares: Admixed American, 0.0084%; no homozygotes.

Submission:

Labcorp Genetics (formerly Invitae), Labcorp
Classification: Uncertain significance for Epidermolysis bullosa simplex 3, localized or generalized intermediate, with BP230 deficiency; Hereditary sensory and autonomic neuropathy type 6. Last evaluated: 2020-03-09. Review status: criteria provided, single submitter. Criteria: Invitae Variant Classification Sherloc (09022015). Collection method: clinical testing. Allele origin: germline.
Comment: This variant is not present in population databases (ExAC no frequency). This variant has not been reported in the literature in individuals with DST-related conditions. Algorithms developed to predict the effect of missense changes on protein structure and function are either unavailable or do not agree on the potential impact of this missense change (SIFT: "Deleterious"; PolyPhen-2: "Benign"; Align-GVGD: "Class C65"). In summary, the available evidence is currently insufficient to determine the role of this variant in disease. Therefore, it has been classified as a Variant of Uncertain Significance. This sequence change replaces isoleucine with threonine at codon 1522 of the DST protein (p.Ile1522Thr). The isoleucine residue is weakly conserved and there is a moderate physicochemical difference between isoleucine and threonine.